The following is an entry in ClinVar:

ClinVar aggregate classification (germline): Uncertain significance (1 of 4 stars; one submission).

Allele frequency attached by ClinVar (database versions not stated): gnomAD exomes 0.00002; TOPMed 0.00003; ExAC 0.00004; gnomAD 0.00004.
gnomAD v4.1: 40 of 1,613,428 alleles (0.0025%); highest among the groups gnomAD compares: Non-Finnish European, 0.0034%; no homozygotes.

Submission:

Labcorp Genetics (formerly Invitae), Labcorp
Classification: Uncertain significance. Last evaluated: 2024-10-14. Review status: criteria provided, single submitter. Criteria: Invitae Variant Classification Sherloc (09022015). Collection method: clinical testing. Allele origin: germline.
Comment: This sequence change replaces leucine, which is neutral and non-polar, with phenylalanine, which is neutral and non-polar, at codon 1331 of the RTTN protein (p.Leu1331Phe). This variant is present in population databases (rs778372992, gnomAD 0.005%). This variant has not been reported in the literature in individuals affected with RTTN-related conditions. ClinVar contains an entry for this variant (Variation ID: 1366768). Invitae Evidence Modeling of protein sequence and biophysical properties (such as structural, functional, and spatial information, amino acid conservation, physicochemical variation, residue mobility, and thermodynamic stability) indicates that this missense variant is expected to disrupt RTTN protein function with a positive predictive value of 80%. In summary, the available evidence is currently insufficient to determine the role of this variant in disease. Therefore, it has been classified as a Variant of Uncertain Significance.

NM_173630.4(RTTN):c.3991C>T (p.Leu1331Phe)

Gene: RTTN (rotatin; minus strand). Cytogenetic location: 18q22.2.
Variant type: single nucleotide variant.
Coding change: c.3991C>T on transcript NM_173630.4 (MANE Select); coding-DNA position 3991, C replaced by T.
Protein change: p.Leu1331Phe; replaces leucine 1331 with phenylalanine.
Molecular consequence: missense variant.
Genome position (GRCh38, 1-based): chr18:70,092,717, G>A on the plus strand (C>T on the coding strand, the complement: RTTN is on the minus strand). VCF-style: chr18-70092717-G-A. GRCh37 (hg19) VCF-style: chr18-67759953-G-A.
Other names: c.1255C>T, p.Leu419Phe (NM_001318520.2); short protein forms L1331F, L419F.
Identifiers: ClinVar variation 1366768 (VCV001366768.4), dbSNP rs778372992, ClinGen allele CA8995437.